The following is an entry in ClinVar:

NM_003482.4(KMT2D):c.9343C>T (p.Leu3115Phe)

Gene: KMT2D (lysine methyltransferase 2D; minus strand). Cytogenetic location: 12q13.12.
Variant type: single nucleotide variant.
Coding change: c.9343C>T on transcript NM_003482.4 (MANE Select); coding-DNA position 9343, C replaced by T.
Protein change: p.Leu3115Phe; replaces leucine 3115 with phenylalanine.
Molecular consequence: missense variant.
Genome position (GRCh38, 1-based): chr12:49,038,013, G>A on the plus strand (C>T on the coding strand, the complement: KMT2D is on the minus strand). VCF-style: chr12-49038013-G-A. GRCh37 (hg19) VCF-style: chr12-49431796-G-A.
Other names: short protein forms L3115F.
Identifiers: ClinVar variation 134706 (VCV000134706.22), dbSNP rs587778471, ClinGen allele CA160579.

ClinVar aggregate classification (germline): Benign/Likely benign. Review status: criteria provided, multiple submitters, no conflicts (2 of 4 stars). 9 submissions from 9 submitters: Benign (4); Likely benign (4). 1 of the submissions does not count toward it. Last evaluated 2026-05-01.

Conditions:
Kabuki syndrome. Also called: Kabuki make-up syndrome; NIIKAWA-KUROKI SYNDROME. Identifiers: Orphanet 2322, MedGen C0796004, MONDO:0016512.
Kabuki syndrome 1 (KABUK1). Also called: KMT2D-Related Kabuki Syndrome. Identifiers: Orphanet 2322, MedGen CN030661, MONDO:0007843, OMIM 147920.

Allele frequency attached by ClinVar (database versions not stated): gnomAD exomes 0.00013 and 0.00068; gnomAD 0.00015 and 0.00016; TOPMed 0.00031; ExAC 0.00070.
gnomAD v4.1: 204 of 1,607,036 alleles (0.013%); highest among the groups gnomAD compares: Admixed American, 0.34%; no homozygotes.

Submissions (9):

CeGaT Center for Human Genetics Tuebingen
Classification: Likely benign. Last evaluated: 2026-05-01. Review status: criteria provided, single submitter. Criteria: CeGaT Center For Human Genetics Tuebingen Variant Classification Criteria Version 2. Collection method: clinical testing. Allele origin: germline. Affected: yes. Observed: 1 variant allele.
Comment: KMT2D: BS1

Labcorp Genetics (formerly Invitae), Labcorp
Classification: Benign for Kabuki syndrome. Last evaluated: 2026-01-26. Review status: criteria provided, single submitter. Criteria: Invitae Variant Classification Sherloc (09022015). Collection method: clinical testing. Allele origin: germline.

Athena Diagnostics
Classification: Benign. Last evaluated: 2025-02-10. Review status: criteria provided, single submitter. Criteria: Athena Diagnostics Criteria. Collection method: clinical testing. Allele origin: unknown.
Comment: The frequency of this variant in the general population is higher than would generally be expected for pathogenic variants in this gene.

Blueprint Genetics
Classification: Likely benign. Last evaluated: 2021-02-22. Review status: criteria provided, single submitter. Criteria: ACMG Guidelines, 2015. Collection method: clinical testing. Allele origin: germline.

GeneDx
Classification: Benign. Last evaluated: 2019-10-02. Review status: criteria provided, single submitter. Criteria: GeneDx Variant Classification Process June 2021. Collection method: clinical testing. Allele origin: germline. Affected: yes.
Comment: This variant is associated with the following publications: (PMID: 24728327)

Eurofins Ntd Llc (ga)
Classification: Benign. Last evaluated: 2017-09-25. Review status: criteria provided, single submitter. Criteria: EGL Classification Definitions 2015. Collection method: clinical testing. Allele origin: germline. Observed: 1 variant allele, 1 heterozygote.

Center for Human Genetics, Inc
Classification: Likely benign for Kabuki syndrome 1. Last evaluated: 2016-11-01. Review status: criteria provided, single submitter. Criteria: ACMG Guidelines, 2015. Collection method: clinical testing. Allele origin: germline. Affected: yes.

PreventionGenetics, part of Exact Sciences
Classification: Likely benign. Review status: criteria provided, single submitter. Criteria: ACMG Guidelines, 2015. Collection method: clinical testing. Allele origin: germline.

ITMI
No classification provided. Condition: AllHighlyPenetrant. Last evaluated: 2013-09-19. Review status: no classification provided. Collection method: reference population. Allele origin: germline. Not counted in ClinVar's aggregate classification.
Comment: Please see associated publication for description of ethnicities

Literature cited by the submitters: PubMed 24728327 (cited by ITMI).